The following is an entry in ClinVar:

NM_021005.4(NR2F2):c.776A>C (p.Gln259Pro)

Gene: NR2F2 (nuclear receptor subfamily 2 group F member 2; plus strand). Cytogenetic location: 15q26.2.
Variant type: single nucleotide variant.
Coding change: c.776A>C on transcript NM_021005.4 (MANE Select); coding-DNA position 776, A replaced by C.
Protein change: p.Gln259Pro; replaces glutamine 259 with proline.
Molecular consequence: missense variant.
Genome position (GRCh38, 1-based): chr15:96,334,409, A>C. VCF-style: chr15-96334409-A-C. GRCh37 (hg19) VCF-style: chr15-96877638-A-C.
Other names: c.377A>C, p.Gln126Pro (NM_001145155.2); c.317A>C, p.Gln106Pro (NM_001145156.1, NM_001145157.2); short protein forms Q106P, Q126P, Q259P.
Identifiers: ClinVar variation 5005492 (VCV005005492.2).

ClinVar aggregate classification (germline): Uncertain significance (1 of 4 stars; one submission).

Conditions:
46,xx sex reversal 5. Identifiers: MedGen C5394441, MONDO:0030049, OMIM 618901.
Congenital heart defects, multiple types, 4 (CHTD4). Identifiers: MedGen C4014310, MONDO:0014344, OMIM 615779.

Submission:

Juno Genomics, Hangzhou Juno Genomics, Inc
Classification: Uncertain significance for 46,xx sex reversal 5; Congenital heart defects, multiple types, 4. Review status: criteria provided, single submitter. Criteria: ACMG Guidelines, 2015. Collection method: clinical testing. Allele origin: germline.
Comment: Missense variant in a gene that has a low rate of benign missense variation.;Multiple lines of computational evidence support a deleterious effect on the gene or gene product.;Absent from controls (or at extremely low frequency if recessive) in Genome Aggregation Database.